The following is an entry in ClinVar:

ClinVar aggregate classification (germline): Likely benign (1 of 4 stars; one submission).

Submission:

CeGaT Center for Human Genetics Tuebingen
Classification: Likely benign. Last evaluated: 2026-08-01. Review status: criteria provided, single submitter. Criteria: CeGaT Center For Human Genetics Tuebingen Variant Classification Criteria Version 2. Collection method: clinical testing. Allele origin: germline. Affected: yes. Observed: 1 variant allele.
Comment: ENG: PM2:Supporting, BP4, BP7

NM_001114753.3(ENG):c.1278G>T (p.Val426=)

Genes: ENG (endoglin; minus strand), LOC102723566 (uncharacterized LOC102723566; plus strand). Cytogenetic location: 9q34.11.
Variant type: single nucleotide variant.
Coding change: c.1278G>T on transcript NM_001114753.3 (MANE Select); coding-DNA position 1278, G replaced by T.
Protein change: p.Val426=; no amino-acid change (valine 426 retained).
Molecular consequence: synonymous variant.
Genome position (GRCh38, 1-based): chr9:127,819,655, C>A on the plus strand (G>T on the coding strand, the complement: ENG is on the minus strand). VCF-style: chr9-127819655-C-A. GRCh37 (hg19) VCF-style: chr9-130581934-C-A.
Other names: c.1278G>T, p.Val426= (NM_000118.4); c.732G>T, p.Val244= (NM_001278138.2).
Identifiers: ClinVar variation 5040695 (VCV005040695.1).